The following is an entry in ClinVar:

ClinVar aggregate classification (germline): Uncertain significance (1 of 4 stars; one submission).

Allele frequency attached by ClinVar (database versions not stated): gnomAD exomes below 0.00001; ExAC 0.00003.
gnomAD v4.1: 5 of 1,613,912 alleles (0.00031%); highest among the groups gnomAD compares: Non-Finnish European, 0.00042%; no homozygotes.

Submission:

Labcorp Genetics (formerly Invitae), Labcorp
Classification: Uncertain significance. Last evaluated: 2025-12-28. Review status: criteria provided, single submitter. Criteria: Invitae Variant Classification Sherloc (09022015). Collection method: clinical testing. Allele origin: germline.
Comment: This sequence change replaces alanine, which is neutral and non-polar, with valine, which is neutral and non-polar, at codon 638 of the JAK1 protein (p.Ala638Val). This variant is present in population databases (rs771577636, gnomAD 0.004%). This variant has not been reported in the literature in individuals affected with JAK1-related conditions. ClinVar contains an entry for this variant (Variation ID: 2880702). Invitae Evidence Modeling of protein sequence and biophysical properties (such as structural, functional, and spatial information, amino acid conservation, physicochemical variation, residue mobility, and thermodynamic stability) indicates that this missense variant is not expected to disrupt JAK1 protein function with a negative predictive value of 80%. In summary, the available evidence is currently insufficient to determine the role of this variant in disease. Therefore, it has been classified as a Variant of Uncertain Significance.

NM_002227.4(JAK1):c.1913C>T (p.Ala638Val)

Genes: JAK1 (Janus kinase 1; minus strand), LOC126805749 (BRD4-independent group 4 enhancer GRCh37_chr1:65312286-65313485; plus strand). Cytogenetic location: 1p31.3.
Variant type: single nucleotide variant.
Coding change: c.1913C>T on transcript NM_002227.4 (MANE Select); coding-DNA position 1913, C replaced by T.
Protein change: p.Ala638Val; replaces alanine 638 with valine.
Molecular consequence: missense variant.
Genome position (GRCh38, 1-based): chr1:64,846,723, G>A on the plus strand (C>T on the coding strand, the complement: JAK1 is on the minus strand). VCF-style: chr1-64846723-G-A. GRCh37 (hg19) VCF-style: chr1-65312406-G-A.
Other names: c.1913C>T, p.Ala638Val (NM_001320923.2, NM_001321852.2, NM_001321853.2 and 3 more transcripts); c.1910C>T, p.Ala637Val (NM_001321857.2); short protein forms A637V, A638V.
Identifiers: ClinVar variation 2880702 (VCV002880702.3), dbSNP rs771577636, ClinGen allele CA892799.